The following is an entry in ClinVar:

NM_001393769.1(MED12L):c.744del (p.Lys248fs)

Gene: MED12L (mediator complex subunit 12L; plus strand). Cytogenetic location: 3q25.1.
Variant type: Deletion.
Coding change: c.744del on transcript NM_001393769.1 (MANE Select); coding-DNA position 744, one base deleted (A; older notation c.744delA).
Protein change: p.Lys248fs; shifts the reading frame from lysine 248.
Molecular consequence: frameshift variant.
Genome position (GRCh38, 1-based): chr3:151,158,706, A deleted; the last of 5 consecutive A bases (chr3:151,158,702-151,158,706); deleting any one gives the same sequence. VCF-style (leftmost placement, unchanged base first): chr3-151158701-GA-G. GRCh37 (hg19) VCF-style: chr3-150876488-GA-G.
Other names: c.744del, p.Lys248fs (NM_053002.6); short protein forms K248fs.
Identifiers: ClinVar variation 4833027 (VCV004833027.1).

ClinVar aggregate classification (germline): Pathogenic (1 of 4 stars; one submission).

Conditions:
Inborn genetic diseases. Identifiers: MedGen C0950123, MeSH D030342.

Submission:

Ambry Genetics
Classification: Pathogenic for Inborn genetic diseases. Last evaluated: 2026-01-07. Review status: criteria provided, single submitter. Criteria: Ambry Variant Classification Scheme 2023. Collection method: clinical testing. Allele origin: germline.
Comment: The c.744delA (p.K248Nfs*5) alteration, located in exon 6 (coding exon 6) of the MED12L gene, consists of a deletion of one nucleotide at position 744, causing a translational frameshift with a predicted alternate stop codon after 5 amino acids. This alteration is expected to result in loss of function by premature protein truncation or nonsense-mediated mRNA decay. This variant was not reported in population-based cohorts in the Genome Aggregation Database (gnomAD). Based on the available evidence, this alteration is classified as pathogenic.